The following is an entry in ClinVar:

ClinVar aggregate classification (germline): Uncertain significance. Review status: criteria provided, multiple submitters, no conflicts (2 of 4 stars). 5 submissions from 5 submitters: Uncertain significance (5). Last evaluated 2026-08-05.

Conditions:
Cardiovascular phenotype. Identifiers: MedGen CN230736.
Dilated cardiomyopathy 2A (CMD2A). Also called: CARDIOMYOPATHY, CONGESTIVE, AUTOSOMAL RECESSIVE; CARDIOMYOPATHY, DILATED, AUTOSOMAL RECESSIVE. Identifiers: Orphanet 154, MedGen C2678474, MONDO:0012746, OMIM 611880.
Hypertrophic cardiomyopathy 7. Also called: CARDIOMYOPATHY, FAMILIAL HYPERTROPHIC, 7, MODIFIER OF; TNNI3-Related Familial Hypertrophic Cardiomyopathy; Familial hypertrophic cardiomyopathy 7. Identifiers: MedGen C1860752, MONDO:0013369, OMIM 613690.
Cardiomyopathy, familial restrictive, 1. Identifiers: Orphanet 75249, MedGen C1861861, MONDO:0007270, OMIM 115210.
Dilated cardiomyopathy 1FF (CMD1FF). Identifiers: Orphanet 154, MedGen C2750091, MONDO:0013211, OMIM 613286.
Cardiomyopathy (CMYO). Also called: Cardiomyopathies. Identifiers: Orphanet 167848, MedGen C0878544, MONDO:0004994, HP:0001638. Inheritance: Various modes of inheritance.
Hypertrophic cardiomyopathy. Also called: HYPERTROPHIC MYOCARDIOPATHY. Identifiers: Orphanet 217569, MedGen C0007194, MeSH D002312, MONDO:0005045, HP:0001639.

Allele frequency attached by ClinVar (database versions not stated): TOPMed 0.00002.
gnomAD v4.1: 9 of 1,614,048 alleles (0.00056%); highest among the groups gnomAD compares: Non-Finnish European, 0.00076%; no homozygotes.

Submissions (5):

Ambry Genetics
Classification: Uncertain significance for Cardiovascular phenotype. Last evaluated: 2026-08-05. Review status: criteria provided, single submitter. Criteria: Ambry Variant Classification Scheme 2023. Collection method: clinical testing. Allele origin: germline.

Labcorp Genetics (formerly Invitae), Labcorp
Classification: Uncertain significance for Hypertrophic cardiomyopathy. Last evaluated: 2025-11-11. Review status: criteria provided, single submitter. Criteria: Invitae Variant Classification Sherloc (09022015). Collection method: clinical testing. Allele origin: germline.
Comment: This sequence change replaces threonine, which is neutral and polar, with isoleucine, which is neutral and non-polar, at codon 119 of the TNNI3 protein (p.Thr119Ile). This variant is present in population databases (rs184709702, gnomAD 0.0009%). This variant has not been reported in the literature in individuals affected with TNNI3-related conditions. ClinVar contains an entry for this variant (Variation ID: 181579). An algorithm developed to predict the effect of missense changes on protein structure and function outputs the following: PolyPhen-2: "Benign". The isoleucine amino acid residue is found in multiple mammalian species, which suggests that this missense change does not adversely affect protein function. In summary, the available evidence is currently insufficient to determine the role of this variant in disease. Therefore, it has been classified as a Variant of Uncertain Significance.

Color Diagnostics, LLC DBA Color Health
Classification: Uncertain significance for Cardiomyopathy. Last evaluated: 2025-07-07. Review status: criteria provided, single submitter. Criteria: ACMG Guidelines, 2015. Collection method: clinical testing. Allele origin: germline.
Comment: This missense variant replaces threonine with isoleucine at codon 119 of the TNNI3 protein. Computational prediction is inconclusive regarding the impact of this variant on protein structure and function. To our knowledge, functional studies have not been reported for this variant. This variant has not been reported in individuals affected with TNNI3-related disorders in the literature. This variant has been identified in 1/249386 chromosomes in the general population by the Genome Aggregation Database (gnomAD). The available evidence is insufficient to determine the role of this variant in disease conclusively. Therefore, this variant is classified as a Variant of Uncertain Significance.

Fulgent Genetics
Classification: Uncertain significance for Cardiomyopathy, familial restrictive, 1; Dilated cardiomyopathy 2A; Dilated cardiomyopathy 1FF; Hypertrophic cardiomyopathy 7. Last evaluated: 2021-09-16. Review status: criteria provided, single submitter. Criteria: ACMG Guidelines, 2015. Collection method: clinical testing. Allele origin: unknown.

GeneDx
Classification: Uncertain significance. Last evaluated: 2012-08-21. Review status: criteria provided, single submitter. Criteria: GeneDx Variant Classification (06012015). Collection method: clinical testing. Allele origin: germline. Affected: yes.
Comment: The Thr119Ile variant in the TNNI3 gene has not been reported as a disease-causing mutation or as a benign polymorphism to our knowledge. Thr119Ile results in a semi-conservative amino acid substitution of a neutral, polar Threonine to a non-polar Isoleucine at a position that is moderately conserved across species. In silico analysis predicts Thr119Ile is benign to the protein structure/function. However, nearby mutations (Ala116Gly, Asp127Tyr) have been reported in association with cardiomyopathy, supporting the functional significance of this region of the protein. In addition, the NHLBI ESP Exome Variant Server reports Thr119Ile was not observed in approximately 6000 samples from individuals of European and African American backgrounds, indicating it is not a common benign variant in these populations.The variant is found in DCM panel(s).

NM_000363.5(TNNI3):c.356C>T (p.Thr119Ile)

Gene: TNNI3 (troponin I3, cardiac type; minus strand). Cytogenetic location: 19q13.42.
Variant type: single nucleotide variant.
Coding change: c.356C>T on transcript NM_000363.5 (MANE Select); coding-DNA position 356, C replaced by T.
Protein change: p.Thr119Ile; replaces threonine 119 with isoleucine.
Molecular consequence: missense variant.
Genome position (GRCh38, 1-based): chr19:55,154,757, G>A on the plus strand (C>T on the coding strand, the complement: TNNI3 is on the minus strand). VCF-style: chr19-55154757-G-A. GRCh37 (hg19) VCF-style: chr19-55666125-G-A.
Other names: p.T119I:ACC>ATC; c.356C>T (LRG_432t1); short protein forms T119I.
Identifiers: ClinVar variation 181579 (VCV000181579.10), dbSNP rs184709702, ClinGen allele CA021527.